The following is an entry in ClinVar:

ClinVar aggregate classification (germline): Likely pathogenic (1 of 4 stars; one submission).

Conditions:
Usher syndrome type 2A. Also called: RETINAL DISEASE IN USHER SYNDROME TYPE IIA, MODIFIER OF; USHER SYNDROME, TYPE IIA. Identifiers: Orphanet 231178, Orphanet 886, MedGen C1848634, MONDO:0010169, OMIM 276901.

gnomAD v4.1: 1 of 1,614,142 alleles (0.000062%); highest among the groups gnomAD compares: Non-Finnish European, 0.000085%; no homozygotes.

Submission:

Myriad Genetics, Inc.
Classification: Likely pathogenic for Usher syndrome type 2A. Last evaluated: 2022-03-29. Review status: criteria provided, single submitter. Criteria: Myriad Women's Health Autosomal Recessive and X-Linked Classification Criteria (2021). Collection method: clinical testing. Allele origin: unknown.
Comment: NM_206933.2(USH2A):c.12961G>T(E4321*) is expected to be pathogenic in the context of USH2A-related disorders. This variant is predicted to lead to an abnormal or absent protein product due to the creation of a premature termination codon in USH2A, a gene where loss-of-function variants are known to be pathogenic. Please note: this variant was assessed in the context of healthy population screening.

NM_206933.4(USH2A):c.12961G>T (p.Glu4321Ter)

Gene: USH2A (usherin; minus strand). Cytogenetic location: 1q41.
Variant type: single nucleotide variant.
Coding change: c.12961G>T on transcript NM_206933.4 (MANE Select); coding-DNA position 12961, G replaced by T.
Protein change: p.Glu4321Ter; replaces glutamic acid 4321 with a stop codon.
Molecular consequence: nonsense.
Genome position (GRCh38, 1-based): chr1:215,674,950, C>A on the plus strand (G>T on the coding strand, the complement: USH2A is on the minus strand). VCF-style: chr1-215674950-C-A. GRCh37 (hg19) VCF-style: chr1-215848292-C-A.
Other names: short protein forms E4321*.
Identifiers: ClinVar variation 1725505 (VCV001725505.2), dbSNP rs2464897719, ClinGen allele CA344848050.